The following is an entry in ClinVar:

ClinVar aggregate classification (germline): Conflicting classifications of pathogenicity. Review status: criteria provided, conflicting classifications (1 of 4 stars). 5 submissions from 5 submitters: Uncertain significance (4); Likely benign (1). Last evaluated 2025-03-12.

Conditions:
Loeys-Dietz syndrome 4 (LDS4). Also called: TGFB2-Related Loeys-Dietz Syndrome; ANEURYSM, AORTIC AND CEREBRAL, WITH ARTERIAL TORTUOSITY AND SKELETAL MANIFESTATIONS. Identifiers: MedGen C3553762, MONDO:0013897, OMIM 614816.
Familial thoracic aortic aneurysm and aortic dissection (TAAD). Also called: Thoracic aortic aneurysms and dissections. Identifiers: Orphanet 91387, MedGen C4707243, MONDO:0019625.
TGFB2-related disorder. Also called: TGFB2-related condition.

Allele frequency attached by ClinVar (database versions not stated): gnomAD exomes below 0.00001; TOPMed below 0.00001.
gnomAD v4.1: 1 of 1,614,084 alleles (0.000062%); highest among the groups gnomAD compares: Non-Finnish European, 0.000085%; no homozygotes.

Submissions (5):

Labcorp Genetics (formerly Invitae), Labcorp
Classification: Uncertain significance for Loeys-Dietz syndrome 4. Last evaluated: 2025-03-12. Review status: criteria provided, single submitter. Criteria: Invitae Variant Classification Sherloc (09022015). Collection method: clinical testing. Allele origin: germline.
Comment: This sequence change replaces threonine, which is neutral and polar, with isoleucine, which is neutral and non-polar, at codon 278 of the TGFB2 protein (p.Thr278Ile). This variant is present in population databases (no rsID available, gnomAD no frequency). This variant has not been reported in the literature in individuals affected with TGFB2-related conditions. ClinVar contains an entry for this variant (Variation ID: 2630159). Invitae Evidence Modeling of protein sequence and biophysical properties (such as structural, functional, and spatial information, amino acid conservation, physicochemical variation, residue mobility, and thermodynamic stability) indicates that this missense variant is not expected to disrupt TGFB2 protein function with a negative predictive value of 80%. In summary, the available evidence is currently insufficient to determine the role of this variant in disease. Therefore, it has been classified as a Variant of Uncertain Significance.

GeneDx
Classification: Uncertain significance. Last evaluated: 2024-11-21. Review status: criteria provided, single submitter. Criteria: GeneDx Variant Classification Process June 2021. Collection method: clinical testing. Allele origin: germline. Affected: yes.
Comment: Not observed at significant frequency in large population cohorts (gnomAD); In silico analysis indicates that this missense variant does not alter protein structure/function; Has not been previously published as pathogenic or benign to our knowledge

Ambry Genetics
Classification: Uncertain significance for Familial thoracic aortic aneurysm and aortic dissection. Last evaluated: 2023-11-09. Review status: criteria provided, single submitter. Criteria: Ambry Variant Classification Scheme 2023. Collection method: clinical testing. Allele origin: germline.
Comment: The p.T278I variant (also known as c.833C>T), located in coding exon 5 of the TGFB2 gene, results from a C to T substitution at nucleotide position 833. The threonine at codon 278 is replaced by isoleucine, an amino acid with similar properties. This amino acid position is conserved. In addition, this alteration is predicted to be tolerated by in silico analysis. Since supporting evidence is limited at this time, the clinical significance of this alteration remains unclear.

PreventionGenetics, part of Exact Sciences
Classification: Uncertain significance for TGFB2-related condition. Last evaluated: 2023-02-15. Review status: criteria provided, single submitter. Criteria: ACMG Guidelines, 2015. Collection method: clinical testing. Allele origin: germline.
Comment: The TGFB2 c.833C>T variant is predicted to result in the amino acid substitution p.Thr278Ile. To our knowledge, this variant has not been reported in the literature. This variant is reported in one out of ~251,228 alleles in gnomAD. At this time, the clinical significance of this variant is uncertain due to the absence of conclusive functional and genetic evidence.

Blueprint Genetics
Classification: Likely benign. Last evaluated: 2021-04-26. Review status: criteria provided, single submitter. Criteria: ACMG Guidelines, 2015. Collection method: clinical testing. Allele origin: germline.

NM_003238.6(TGFB2):c.833C>T (p.Thr278Ile)

Gene: TGFB2 (transforming growth factor beta 2; plus strand). Cytogenetic location: 1q41.
Variant type: single nucleotide variant.
Coding change: c.833C>T on transcript NM_003238.6 (MANE Select); coding-DNA position 833, C replaced by T.
Protein change: p.Thr278Ile; replaces threonine 278 with isoleucine.
Molecular consequence: missense variant.
Genome position (GRCh38, 1-based): chr1:218,436,048, C>T. VCF-style: chr1-218436048-C-T. GRCh37 (hg19) VCF-style: chr1-218609390-C-T.
Other names: c.917C>T, p.Thr306Ile (NM_001135599.4); c.833C>T (NM_003238.3); short protein forms T278I, T306I.
Identifiers: ClinVar variation 2630159 (VCV002630159.7), dbSNP rs1395226344, ClinGen allele CA344727161.